The following is an entry in ClinVar:

NM_012250.6(RRAS2):c.546A>T (p.Glu182Asp)

Gene: RRAS2 (RAS related 2; minus strand). Cytogenetic location: 11p15.2.
Variant type: single nucleotide variant.
Coding change: c.546A>T on transcript NM_012250.6 (MANE Select); coding-DNA position 546, A replaced by T.
Protein change: p.Glu182Asp; replaces glutamic acid 182 with aspartic acid.
Molecular consequence: missense variant.
Genome position (GRCh38, 1-based): chr11:14,279,406, T>A on the plus strand (A>T on the coding strand, the complement: RRAS2 is on the minus strand). VCF-style: chr11-14279406-T-A. GRCh37 (hg19) VCF-style: chr11-14300952-T-A.
Other names: c.315A>T, p.Glu105Asp (NM_001102669.3, NM_001177315.2, NM_001440712.1 and 3 more transcripts); c.441A>T, p.Glu147Asp (NM_001177314.2); c.684A>T, p.Glu228Asp (NM_001440708.1); c.453A>T, p.Glu151Asp (NM_001440709.1, NM_001440710.1); c.450A>T, p.Glu150Asp (NM_001440711.1); short protein forms E105D, E147D, E150D, E151D, E182D, E228D.
Identifiers: ClinVar variation 4882709 (VCV004882709.2).

ClinVar aggregate classification (germline): Uncertain significance (1 of 4 stars; one submission).

Submission:

Dasa
Classification: Uncertain significance. Last evaluated: 2025-10-10. Review status: criteria provided, single submitter. Criteria: DASA Assertion Criteria. Collection method: clinical testing. Allele origin: germline.
Comment: NM_012250.6(RRAS2):c.546A>T (p.Glu182Asp) is a missense variant that results in the substitution of glutamic acid with aspartic acid. This variant is absent from population databases. The currently available literature and clinical evidence are not sufficient to establish a definitive association between this variant and the reported condition. Therefore, this variant is classified as a variant of uncertain significance.